The following is an entry in ClinVar:

ClinVar aggregate classification (germline): Uncertain significance. Review status: criteria provided, multiple submitters, no conflicts (2 of 4 stars). 3 submissions from 3 submitters: Uncertain significance (3). Last evaluated 2025-10-11.

Conditions:
Hyperkalemic periodic paralysis. Also called: Familial hyperkalemic periodic paralysis; Gamstorp disease. Identifiers: Orphanet 682, MedGen C0238357, MONDO:0008224, OMIM 170500, HP:0007215.
Congenital myopathy 22A, classic (CMYO22A). Identifiers: MedGen C5830453, MONDO:0957247, OMIM 620351.
Congenital myopathy 22B, severe fetal (CMYO22B). Identifiers: MedGen C5830501, MONDO:0957265, OMIM 620369.
Paramyotonia congenita of Von Eulenburg. Also called: Eulenburg disease; Myotonia congenita intermittens; Von Eulenburg paramyotonia congenita; Paramyotonia Congenita; PARALYSIS PERIODICA PARAMYOTONICA. Identifiers: Orphanet 684, MedGen C0221055, MONDO:0008195, OMIM 168300. Disease mechanism: loss of function.
Hypokalemic periodic paralysis, type 2 (HOKPP2). Identifiers: Orphanet 681, MedGen C2750061, MONDO:0013234, OMIM 613345.
Potassium-aggravated myotonia. Also called: MYOTONIA CONGENITA, ACETAZOLAMIDE-RESPONSIVE; MYOTONIA CONGENITA, ATYPICAL; SODIUM CHANNEL MUSCLE DISEASE; Myotonia congenita, atypical, acetazolamide-responsive. Identifiers: Orphanet 612, Orphanet 99734, Orphanet 99735, Orphanet 99736, MedGen C2931826, MONDO:0018959, OMIM 608390.
Congenital myasthenic syndrome 16. Identifiers: Orphanet 590, MedGen C3280112, MONDO:0013620, OMIM 614198.

Allele frequency attached by ClinVar (database versions not stated): ExAC 0.00003; gnomAD exomes 0.00002; TOPMed 0.00003; gnomAD 0.00004 and 0.00003.
gnomAD v4.1: 87 of 1,613,852 alleles (0.0054%); highest among the groups gnomAD compares: Non-Finnish European, 0.0072%; no homozygotes.

Submissions (3):

Labcorp Genetics (formerly Invitae), Labcorp
Classification: Uncertain significance for Hyperkalemic periodic paralysis. Last evaluated: 2025-10-11. Review status: criteria provided, single submitter. Criteria: Invitae Variant Classification Sherloc (09022015). Collection method: clinical testing. Allele origin: germline.
Comment: This sequence change replaces proline, which is neutral and non-polar, with leucine, which is neutral and non-polar, at codon 286 of the SCN4A protein (p.Pro286Leu). This variant is present in population databases (rs760518441, gnomAD 0.003%). This variant has not been reported in the literature in individuals affected with SCN4A-related conditions. ClinVar contains an entry for this variant (Variation ID: 856556). Invitae Evidence Modeling of protein sequence and biophysical properties (such as structural, functional, and spatial information, amino acid conservation, physicochemical variation, residue mobility, and thermodynamic stability) indicates that this missense variant is not expected to disrupt SCN4A protein function with a negative predictive value of 95%. In summary, the available evidence is currently insufficient to determine the role of this variant in disease. Therefore, it has been classified as a Variant of Uncertain Significance.

Fulgent Genetics
Classification: Uncertain significance for Paramyotonia congenita of Von Eulenburg; Hyperkalemic periodic paralysis; Potassium-aggravated myotonia; Hypokalemic periodic paralysis, type 2; Congenital myasthenic syndrome 16; Congenital myopathy 22A, classic; Congenital myopathy 22B, severe fetal. Last evaluated: 2024-05-09. Review status: criteria provided, single submitter. Criteria: ACMG Guidelines, 2015. Collection method: clinical testing. Allele origin: germline.

Revvity Omics, Revvity
Classification: Uncertain significance. Last evaluated: 2022-01-11. Review status: criteria provided, single submitter. Criteria: ACMG Guidelines, 2015. Collection method: clinical testing. Allele origin: germline.

NM_000334.4(SCN4A):c.857C>T (p.Pro286Leu)

Gene: SCN4A (sodium voltage-gated channel alpha subunit 4; minus strand). Cytogenetic location: 17q23.3.
Variant type: single nucleotide variant.
Coding change: c.857C>T on transcript NM_000334.4 (MANE Select); coding-DNA position 857, C replaced by T.
Protein change: p.Pro286Leu; replaces proline 286 with leucine.
Molecular consequence: missense variant.
Genome position (GRCh38, 1-based): chr17:63,968,202, G>A on the plus strand (C>T on the coding strand, the complement: SCN4A is on the minus strand). VCF-style: chr17-63968202-G-A. GRCh37 (hg19) VCF-style: chr17-62045562-G-A.
Other names: short protein forms P286L.
Identifiers: ClinVar variation 856556 (VCV000856556.15), dbSNP rs760518441, ClinGen allele CA8710021.